The following is an entry in ClinVar:

NM_020166.5(MCCC1):c.1263dup (p.Gln422fs)

Gene: MCCC1 (methylcrotonyl-CoA carboxylase subunit 1; minus strand). Cytogenetic location: 3q27.1.
Variant type: Duplication.
Coding change: c.1263dup on transcript NM_020166.5 (MANE Select); coding-DNA position 1263, one base duplicated (G; older notation c.1263dupG).
Protein change: p.Gln422fs; shifts the reading frame from glutamine 422.
Molecular consequence: frameshift variant. On other transcripts: non-coding transcript variant (2).
Genome position (GRCh38, 1-based): chr3:183,041,571, C duplicated on the plus strand (G on the coding strand, the reverse complement: MCCC1 is on the minus strand); the first of 2 consecutive C bases (chr3:183,041,571-183,041,572); duplicating either gives the same sequence. VCF-style (leftmost placement, unchanged base first): chr3-183041570-G-GC. GRCh37 (hg19) VCF-style: chr3-182759358-G-GC.
Other names: c.1263dupG (NM_020166.4); c.912dup, p.Gln305fs (NM_001293273.2); c.936dup, p.Gln313fs (NM_001363880.1); short protein forms Q305fs, Q313fs, Q422fs.
Identifiers: ClinVar variation 476392 (VCV000476392.21), dbSNP rs762463137, ClinGen allele CA2718840.
Genomic context (GRCh38, chr3:183,041,570, plus strand): 5'-ACAATAATGTACTAAAAACTTAAAAAGAGTGAGACTTTTCATTTTCTTTCACTTTACCTT[G>GC]CCGTACTCCAGTTTCAATCCTGGTGGAAGGGTCTGCTCGAGGAGTAGAGAGGTGCACTAA-3'

ClinVar aggregate classification (germline): Pathogenic/Likely pathogenic. Review status: criteria provided, multiple submitters, no conflicts (2 of 4 stars). 5 submissions from 5 submitters: Pathogenic (4); Likely pathogenic (1). Last evaluated 2025-12-29.

Conditions:
3-methylcrotonyl-CoA carboxylase 1 deficiency (MCC1D). Also called: MCC 1 deficiency; 3 Alpha methylcrotonylglycinuria 1; MCCD TYPE 1; METHYLCROTONYLGLYCINURIA TYPE I. Identifiers: Orphanet 6, MedGen CN028786, MONDO:0008861, OMIM 210200.

Submissions (5):

Labcorp Genetics (formerly Invitae), Labcorp
Classification: Pathogenic for 3-methylcrotonyl-CoA carboxylase 1 deficiency. Last evaluated: 2025-12-29. Review status: criteria provided, single submitter. Criteria: Invitae Variant Classification Sherloc (09022015). Collection method: clinical testing. Allele origin: germline.
Comment: This sequence change creates a premature translational stop signal (p.Gln422Alafs*10) in the MCCC1 gene. It is expected to result in an absent or disrupted protein product. Loss-of-function variants in MCCC1 are known to be pathogenic (PMID: 11181649, 15359379, 22642865). This variant is present in population databases (rs762463137, gnomAD 0.01%). This premature translational stop signal has been observed in individual(s) with 3-Methylcrotonyl-CoA carboxylase deficiency (PMID: 11181649, 16010683). ClinVar contains an entry for this variant (Variation ID: 476392). For these reasons, this variant has been classified as Pathogenic.

Natera, Inc.
Classification: Likely pathogenic for 3-methylcrotonyl-CoA carboxylase 1 deficiency. Last evaluated: 2025-12-17. Review status: criteria provided, single submitter. Criteria: Natera Variant Classification Schema (03/2026). Collection method: clinical testing. Allele origin: germline.
Comment: The c.1263dupG variant in MCCC1 is a frameshift variant predicted to shift the reading frame beginning at codon 422 and leads to a stop codon 10 codons downstream. This variant is expected to result in nonsense mediated decay, truncation, or a dysfunctional protein product. This variant is rare in the general population with a frequency below the threshold expected for the associated phenotype(s). Functional studies show that this variant may disrupt protein function (PMID: 11181649). Given the available evidence, this variant is classified as Likely Pathogenic.

Fulgent Genetics
Classification: Pathogenic for 3-methylcrotonyl-CoA carboxylase 1 deficiency. Last evaluated: 2024-03-04. Review status: criteria provided, single submitter. Criteria: ACMG Guidelines, 2015. Collection method: clinical testing. Allele origin: germline.

Baylor Genetics
Classification: Pathogenic for 3-methylcrotonyl-CoA carboxylase 1 deficiency. Last evaluated: 2023-12-13. Review status: criteria provided, single submitter. Criteria: ACMG Guidelines, 2015. Collection method: clinical testing. Allele origin: unknown.

Eurofins Ntd Llc (ga)
Classification: Pathogenic. Last evaluated: 2017-11-15. Review status: criteria provided, single submitter. Criteria: EGL Classification Definitions 2015. Collection method: clinical testing. Allele origin: germline. Observed: 1 variant allele, 1 heterozygote.

Literature cited by the submitters: PubMed 11181649 (cited by Labcorp Genetics (formerly Invitae), Labcorp and Natera, Inc.); PubMed 15359379 (cited by Labcorp Genetics (formerly Invitae), Labcorp); PubMed 22642865 (cited by Labcorp Genetics (formerly Invitae), Labcorp); PubMed 16010683 (cited by Labcorp Genetics (formerly Invitae), Labcorp).